The following is an entry in ClinVar:

ClinVar aggregate classification (germline): Uncertain significance (1 of 4 stars; one submission).

Conditions:
Cardiovascular phenotype. Identifiers: MedGen CN230736.

gnomAD v4.1: 4 of 1,614,050 alleles (0.00025%); highest among the groups gnomAD compares: South Asian, 0.0033%; no homozygotes.

Submission:

Ambry Genetics
Classification: Uncertain significance for Cardiovascular phenotype. Last evaluated: 2025-12-07. Review status: criteria provided, single submitter. Criteria: Ambry Variant Classification Scheme 2023. Collection method: clinical testing. Allele origin: germline.
Comment: The p.V726M variant (also known as c.2176G>A), located in coding exon 5 of the ALPK3 gene, results from a G to A substitution at nucleotide position 2176. The valine at codon 726 is replaced by methionine, an amino acid with highly similar properties. This amino acid position is conserved. In addition, this alteration is predicted to be tolerated by in silico analysis. Based on the available evidence, the clinical significance of this variant remains unclear.

NM_020778.5(ALPK3):c.1570G>A (p.Val524Met)

Genes: ALPK3 (alpha kinase 3; plus strand), LOC111718493 (skeletal muscle cis-regulatory module overlapping ALPK3; plus strand). Cytogenetic location: 15q25.3.
Variant type: single nucleotide variant.
Coding change: c.1570G>A on transcript NM_020778.5 (MANE Select); coding-DNA position 1570, G replaced by A.
Protein change: p.Val524Met; replaces valine 524 with methionine.
Molecular consequence: missense variant.
Genome position (GRCh38, 1-based): chr15:84,840,849, G>A. VCF-style: chr15-84840849-G-A. GRCh37 (hg19) VCF-style: chr15-85384080-G-A.
Other names: short protein forms V524M.
Identifiers: ClinVar variation 4613525 (VCV004613525.1).